The following is an entry in ClinVar:

NM_004453.4(ETFDH):c.1613_1618del (p.Thr538_Leu539del)

Gene: ETFDH (electron transfer flavoprotein dehydrogenase; plus strand). Cytogenetic location: 4q32.1.
Variant type: Deletion.
Coding change: c.1613_1618del on transcript NM_004453.4 (MANE Select); coding-DNA positions 1613 to 1618, 6 bases deleted (CCTTAA; older notation c.1613_1618delCCTTAA).
Protein change: p.Thr538_Leu539del.
Molecular consequence: inframe deletion.
Genome position (GRCh38, 1-based): chr4:158,706,773-158,706,778, CCTTAA deleted; deleting any 6 consecutive bases within chr4:158,706,768-158,706,778 gives the same sequence; the c. name uses the placement nearest the transcript's 3' end. VCF-style (leftmost placement, unchanged base first): chr4-158706767-ACTTAAC-A. GRCh37 (hg19) VCF-style: chr4-159627919-ACTTAAC-A.
Other names: c.1472_1477del, p.Thr491_Leu492del (NM_001281737.2); c.1430_1435del, p.Thr477_Leu478del (NM_001281738.1).
Identifiers: ClinVar variation 2441304 (VCV002441304.4), dbSNP rs2476735731, ClinGen allele CA2580071643.

ClinVar aggregate classification (germline): Uncertain significance. Review status: criteria provided, multiple submitters, no conflicts (2 of 4 stars). 2 submissions from 2 submitters: Uncertain significance (2). Last evaluated 2025-11-12.

Conditions:
Multiple acyl-CoA dehydrogenase deficiency (MADD). Also called: Glutaric Acidemia type 2; Glutaric acidemia type II; GA 2; ETHYLMALONIC-ADIPICACIDURIA; GA II; Glutaric aciduria, type 2. Identifiers: Orphanet 26791, MedGen C0268596, MONDO:0009282, OMIM 231680.

Submissions (2):

Labcorp Genetics (formerly Invitae), Labcorp
Classification: Uncertain significance for Multiple acyl-CoA dehydrogenase deficiency. Last evaluated: 2025-11-12. Review status: criteria provided, single submitter. Criteria: Invitae Variant Classification Sherloc (09022015). Collection method: clinical testing. Allele origin: germline.
Comment: This variant, c.1613_1618del, results in the deletion of 2 amino acid(s) of the ETFDH protein (p.Thr538_Leu539del), but otherwise preserves the integrity of the reading frame. This variant is not present in population databases (gnomAD no frequency). This variant has not been reported in the literature in individuals affected with ETFDH-related conditions. ClinVar contains an entry for this variant (Variation ID: 2441304). Experimental studies and prediction algorithms are not available or were not evaluated, and the functional significance of this variant is currently unknown. In summary, the available evidence is currently insufficient to determine the role of this variant in disease. Therefore, it has been classified as a Variant of Uncertain Significance.

Revvity Omics, Revvity
Classification: Uncertain significance for Multiple acyl-CoA dehydrogenase deficiency. Last evaluated: 2020-12-23. Review status: criteria provided, single submitter. Criteria: ACMG Guidelines, 2015. Collection method: clinical testing. Allele origin: germline.